The following is an entry in ClinVar:

NM_001374828.1(ARID1B):c.1294G>A (p.Ala432Thr)

Gene: ARID1B (AT-rich interaction domain 1B; plus strand). Cytogenetic location: 6q25.3.
Variant type: single nucleotide variant.
Coding change: c.1294G>A on transcript NM_001374828.1 (MANE Select); coding-DNA position 1294, G replaced by A.
Protein change: p.Ala432Thr; replaces alanine 432 with threonine.
Molecular consequence: missense variant.
Genome position (GRCh38, 1-based): chr6:156,778,974, G>A. VCF-style: chr6-156778974-G-A. GRCh37 (hg19) VCF-style: chr6-157100108-G-A.
Other names: c.1294G>A, p.Ala432Thr (NM_001371656.1, NM_001374820.1, NM_001438482.1 and 9 more transcripts); short protein forms A432T.
Identifiers: ClinVar variation 4781257 (VCV004781257.1).
Genomic context (GRCh38, chr6:156,778,974, plus strand): 5'-GCAGGAGCAGGAGGAGCAGGAGCGGGAGCTGTGGCGGCGGCGGCCGCGGCGGCGGCGGCA[G>A]CAGCAGGAGGCGGCGGCGGCGGCGGCTATGGGGGCTCGTCCGCGGGGTACGGGGTGCTGA-3'
Protein context (NP_001361757.1, residues 422-442): VAAAAAAAAA[Ala432Thr]AGGGGGGGYG

ClinVar aggregate classification (germline): Uncertain significance (1 of 4 stars; one submission).

Submission:

Labcorp Genetics (formerly Invitae), Labcorp
Classification: Uncertain significance. Last evaluated: 2025-05-18. Review status: criteria provided, single submitter. Criteria: Invitae Variant Classification Sherloc (09022015). Collection method: clinical testing. Allele origin: germline.
Comment: This sequence change replaces alanine, which is neutral and non-polar, with threonine, which is neutral and polar, at codon 349 of the ARID1B protein (p.Ala349Thr). The frequency data for this variant in the population databases is considered unreliable, as metrics indicate poor data quality at this position in the gnomAD database. This variant has not been reported in the literature in individuals affected with ARID1B-related conditions. Invitae Evidence Modeling of protein sequence and biophysical properties (such as structural, functional, and spatial information, amino acid conservation, physicochemical variation, residue mobility, and thermodynamic stability) indicates that this missense variant is not expected to disrupt ARID1B protein function with a negative predictive value of 95%. In summary, the available evidence is currently insufficient to determine the role of this variant in disease. Therefore, it has been classified as a Variant of Uncertain Significance.